The following is an entry in ClinVar:

ClinVar aggregate classification (germline): Pathogenic (1 of 4 stars; one submission).

Conditions:
Fanconi anemia (FA). Also called: Fanconi's anemia. Identifiers: Orphanet 84, MedGen C0015625, MeSH D005199, MONDO:0019391.

Submission:

Labcorp Genetics (formerly Invitae), Labcorp
Classification: Pathogenic for Fanconi anemia. Last evaluated: 2025-06-01. Review status: criteria provided, single submitter. Criteria: Invitae Variant Classification Sherloc (09022015). Collection method: clinical testing. Allele origin: germline.
Comment: This sequence change creates a premature translational stop signal (p.Glu1050*) in the FANCA gene. It is expected to result in an absent or disrupted protein product. Loss-of-function variants in FANCA are known to be pathogenic (PMID: 19367192). This variant is not present in population databases (gnomAD no frequency). This variant has not been reported in the literature in individuals affected with FANCA-related conditions. Algorithms developed to predict the effect of sequence changes on RNA splicing suggest that this variant may disrupt the consensus splice site. For these reasons, this variant has been classified as Pathogenic.

Literature cited by the submitters: PubMed 19367192.

NM_000135.4(FANCA):c.3147dup (p.Glu1050Ter)

Gene: FANCA (FA complementation group A; minus strand). Cytogenetic location: 16q24.3.
Variant type: Duplication.
Coding change: c.3147dup on transcript NM_000135.4 (MANE Select); coding-DNA position 3147, one base duplicated (T; older notation c.3147dupT).
Protein change: p.Glu1050Ter; replaces glutamic acid 1050 with a stop codon.
Molecular consequence: nonsense.
Genome position (GRCh38, 1-based): chr16:89,749,822, A duplicated on the plus strand (T on the coding strand, the reverse complement: FANCA is on the minus strand); the first of 3 consecutive A bases (chr16:89,749,822-89,749,824); duplicating any one gives the same sequence. VCF-style (leftmost placement, unchanged base first): chr16-89749821-C-CA. GRCh37 (hg19) VCF-style: chr16-89816229-C-CA.
Other names: c.3147dup, p.Glu1050Ter (NM_001286167.3); short protein forms E1050*.
Identifiers: ClinVar variation 4754692 (VCV004754692.1).